The following is an entry in ClinVar:

NM_015506.3(MMACHC):c.650A>G (p.Glu217Gly)

Genes: MMACHC (metabolism of cobalamin associated C; plus strand), LOC129930446 (ATAC-STARR-seq lymphoblastoid active region 972; plus strand). Cytogenetic location: 1p34.1.
Variant type: single nucleotide variant.
Coding change: c.650A>G on transcript NM_015506.3 (MANE Select); coding-DNA position 650, A replaced by G.
Protein change: p.Glu217Gly; replaces glutamic acid 217 with glycine.
Molecular consequence: missense variant.
Genome position (GRCh38, 1-based): chr1:45,509,016, A>G. VCF-style: chr1-45509016-A-G. GRCh37 (hg19) VCF-style: chr1-45974688-A-G.
Other names: c.479A>G, p.Glu160Gly (NM_001330540.2); short protein forms E217G, E160G.
Identifiers: ClinVar variation 424337 (VCV000424337.8), dbSNP rs199641732, ClinGen allele CA16617172.
Genomic context (GRCh38, chr1:45,509,016, plus strand): 5'-ATTTCCACTGGCGTGATTGGACTTACCGGGATGCTGTGACACCCCAGGAGCGCTACTCAG[A>G]AGAGCAGAAGGCCTACTTCTCCACTCCACCTGCCCAACGATTGGCCCTATTGGGCTTGGC-3'
Protein context (NP_056321.2, residues 207-227): DAVTPQERYS[Glu217Gly]EQKAYFSTPP

ClinVar aggregate classification (germline): Uncertain significance. Review status: criteria provided, multiple submitters, no conflicts (2 of 4 stars). 5 submissions from 5 submitters: Uncertain significance (4). 1 of the submissions does not count toward it. Last evaluated 2023-04-11.

Conditions:
Cobalamin C disease. Also called: Cobalamin-C methylmalonic acidemia and homocystinuria; Methylmalonic acidemia and homocystinuria cblC type; Methylmalonic aciduria with homocystinuria cblC type; Methylmalonic aciduria and homocystinuria, Vitamin B12-responsive; Vitamin B12 metabolic defect with combined deficiency of methylmalonyl-CoA mutase and homocysteine:methyltetrahydrofolate methyltransferase; methylmalonic aciduria and homocystinuria type cblC. Identifiers: Orphanet 26, Orphanet 79282, MedGen C1848561, MONDO:0010184, OMIM 277400.

gnomAD v4.1: 1 of 1,614,186 alleles (0.000062%); highest among the groups gnomAD compares: East Asian, 0.0022%; no homozygotes.

Submissions (5):

Genome-Nilou Lab
Classification: Uncertain significance for Cobalamin C disease. Last evaluated: 2023-04-11. Review status: criteria provided, single submitter. Criteria: ACMG Guidelines, 2015. Collection method: clinical testing. Allele origin: germline. Affected: no.

Eurofins Ntd Llc (ga)
Classification: Uncertain significance. Last evaluated: 2018-03-19. Review status: criteria provided, single submitter. Criteria: EGL ClinVar v180209 classification definitions. Collection method: clinical testing. Allele origin: germline. Observed: 1 variant allele, 1 heterozygote.

GeneDx
Classification: Uncertain significance. Last evaluated: 2017-03-21. Review status: criteria provided, single submitter. Criteria: GeneDx Variant Classification (06012015). Collection method: clinical testing. Allele origin: germline. Affected: yes.
Comment: The E217G variant in the MMACHC gene has not been reported previously as a pathogenic variant, nor as a benign variant, to our knowledge. The E217G variant is not observed in large population cohorts (Lek et al., 2016; 1000 Genomes Consortium et al., 2015; Exome Variant Server). The E217G variant is a non-conservative amino acid substitution, which is likely to impact secondary protein structure as these residues differ in polarity, charge, size and/or other properties. This substitution occurs at a position that is conserved in mammals. In silico analysis predicts this variant is probably damaging to the protein structure/function. We interpret E217G as a variant of uncertain significance.

Breakthrough Genomics
Classification: Uncertain significance. Review status: criteria provided, single submitter. Criteria: ACMG Guidelines, 2015. Collection method: not provided. Allele origin: germline. Inheritance: Autosomal recessive inheritance. Affected: yes.

Natera, Inc.
Classification: Uncertain significance for Methylmalonic aciduria and homocystinuria cblC type. Last evaluated: 2020-08-03. Review status: no assertion criteria provided. Collection method: clinical testing. Allele origin: germline. Not counted in ClinVar's aggregate classification.